The following is an entry in ClinVar:

NM_001330260.2(SCN8A):c.1401_1409del (p.465EEG[1])

Gene: SCN8A (sodium voltage-gated channel alpha subunit 8; plus strand). Cytogenetic location: 12q13.13.
Variant type: Deletion.
Coding change: c.1401_1409del on transcript NM_001330260.2 (MANE Select); coding-DNA positions 1401 to 1409, 9 bases deleted (TGAAGAAGG; older notation c.1401_1409delTGAAGAAGG).
Protein change: p.465EEG[1].
Molecular consequence: inframe deletion.
Genome position (GRCh38, 1-based): chr12:51,706,481-51,706,489, TGAAGAAGG deleted; deleting any 9 consecutive bases within chr12:51,706,473-51,706,489 gives the same sequence; the c. name uses the placement nearest the transcript's 3' end. VCF-style (leftmost placement, unchanged base first): chr12-51706472-GGAAGAAGGT-G. GRCh37 (hg19) VCF-style: chr12-52100256-GGAAGAAGGT-G.
Other names: c.1401_1409del, p.465EEG[1] (NM_001177984.3, NM_001369788.1, NM_014191.4).
Identifiers: ClinVar variation 2063450 (VCV002063450.4), dbSNP rs1321440098, ClinGen allele CA689752087.
Genomic context (GRCh38, chr12:51,706,472, plus strand): 5'-TCTTTCCTAGGCTGCTGCGATGGCCACTTCAGCAGGAACTGTCTCAGAAGATGCCATAGA[GGAAGAAGGT>G]GAAGAAGGAGGGGGCTCCCCTCGGAGCTCTTCTGAAATCTCTAAACTCAGCTCAAAGAGT-3'

ClinVar aggregate classification (germline): Uncertain significance (1 of 4 stars; one submission).

Conditions:
Early-infantile DEE. Also called: Early infantile epileptic encephalopathy with suppression bursts; Early infantile epileptic encephalopathy; Ohtahara syndrome. Identifiers: Orphanet 1934, MedGen C0393706, MONDO:0800491.

Submission:

Labcorp Genetics (formerly Invitae), Labcorp
Classification: Uncertain significance for Early-infantile DEE. Last evaluated: 2026-01-21. Review status: criteria provided, single submitter. Criteria: Invitae Variant Classification Sherloc (09022015). Collection method: clinical testing. Allele origin: germline.
Comment: This variant, c.1401_1409del, results in the deletion of 3 amino acid(s) of the SCN8A protein (p.Glu468_Gly470del), but otherwise preserves the integrity of the reading frame. This variant is not present in population databases (gnomAD no frequency). This variant has not been reported in the literature in individuals affected with SCN8A-related conditions. ClinVar contains an entry for this variant (Variation ID: 2063450). Experimental studies and prediction algorithms are not available or were not evaluated, and the functional significance of this variant is currently unknown. In summary, the available evidence is currently insufficient to determine the role of this variant in disease. Therefore, it has been classified as a Variant of Uncertain Significance.